The following is an entry in ClinVar:

ClinVar aggregate classification (germline): Uncertain significance. Review status: criteria provided, multiple submitters, no conflicts (2 of 4 stars). 3 submissions from 3 submitters: Uncertain significance (3). Last evaluated 2025-11-10.

Conditions:
Fanconi anemia complementation group J. Also called: BRIP1-Related Fanconi Anemia. Identifiers: Orphanet 84, MedGen C1836860, MONDO:0012187, OMIM 609054.
Familial cancer of breast. Also called: BREAST CANCER, FAMILIAL; hereditary breast carcinoma; Hereditary breast cancer. Identifiers: Orphanet 227535, MedGen C0346153, MONDO:0016419, OMIM 114480. Disease mechanism: loss of function.
Hereditary cancer-predisposing syndrome. Also called: Neoplastic Syndromes, Hereditary; Hereditary neoplastic syndrome; Tumor predisposition; Hereditary Cancer Syndrome. Identifiers: Orphanet 140162, MedGen C0027672, MeSH D009386, MONDO:0015356.

Submissions (3):

Ambry Genetics
Classification: Uncertain significance for Hereditary cancer-predisposing syndrome. Last evaluated: 2025-11-10. Review status: criteria provided, single submitter. Criteria: Ambry Variant Classification Scheme 2023. Collection method: clinical testing. Allele origin: germline.
Comment: The p.M425I variant (also known as c.1275G>A), located in coding exon 8 of the BRIP1 gene, results from a G to A substitution at nucleotide position 1275. The methionine at codon 425 is replaced by isoleucine, an amino acid with highly similar properties. This amino acid position is conserved. In addition, this alteration is predicted to be tolerated by in silico analysis. Based on the available evidence, the clinical significance of this variant remains unclear.

Color Diagnostics, LLC DBA Color Health
Classification: Uncertain significance for Hereditary cancer-predisposing syndrome. Last evaluated: 2023-12-04. Review status: criteria provided, single submitter. Criteria: ACMG Guidelines, 2015. Collection method: clinical testing. Allele origin: germline.
Comment: This missense variant replaces methionine with isoleucine at codon 425 of the BRIP1 protein. Computational prediction suggests that this variant may not impact protein structure and function (internally defined REVEL score threshold <= 0.5, PMID: 27666373). To our knowledge, functional studies have not been reported for this variant. This variant has not been reported in individuals affected with BRIP1-related disorders in the literature. This variant has not been identified in the general population by the Genome Aggregation Database (gnomAD). The available evidence is insufficient to determine the role of this variant in disease conclusively. Therefore, this variant is classified as a Variant of Uncertain Significance.

Labcorp Genetics (formerly Invitae), Labcorp
Classification: Uncertain significance for Familial cancer of breast; Fanconi anemia complementation group J. Last evaluated: 2017-08-13. Review status: criteria provided, single submitter. Criteria: Invitae Variant Classification Sherloc (09022015). Collection method: clinical testing. Allele origin: germline.
Comment: This sequence change replaces methionine with isoleucine at codon 425 of the BRIP1 protein (p.Met425Ile). The methionine residue is moderately conserved and there is a small physicochemical difference between methionine and isoleucine. This variant is not present in population databases (ExAC no frequency). In summary, the available evidence is currently insufficient to determine the role of this variant in disease. Therefore, it has been classified as a Variant of Uncertain Significance. Algorithms developed to predict the effect of missense changes on protein structure and function do not agree on the potential impact of this missense change (SIFT: "Tolerated"; PolyPhen-2: "Possibly Damaging"; Align-GVGD: "Class C0"). This variant has not been reported in the literature in individuals with BRIP1-related disease.

NM_032043.3(BRIP1):c.1275G>A (p.Met425Ile)

Gene: BRIP1 (BRCA1 interacting DNA helicase 1; minus strand). Cytogenetic location: 17q23.2.
Variant type: single nucleotide variant.
Coding change: c.1275G>A on transcript NM_032043.3 (MANE Select); coding-DNA position 1275, G replaced by A.
Protein change: p.Met425Ile; replaces methionine 425 with isoleucine.
Molecular consequence: missense variant.
Genome position (GRCh38, 1-based): chr17:61,799,165, C>T on the plus strand (G>A on the coding strand, the complement: BRIP1 is on the minus strand). VCF-style: chr17-61799165-C-T. GRCh37 (hg19) VCF-style: chr17-59876526-C-T.
Other names: short protein forms M425I.
Identifiers: ClinVar variation 530310 (VCV000530310.15), dbSNP rs1555607086, ClinGen allele CA400483550.